The following is an entry in ClinVar:

NM_001754.5(RUNX1):c.1099G>T (p.Gly367Cys)

Gene: RUNX1 (RUNX family transcription factor 1; minus strand). Cytogenetic location: 21q22.12.
Variant type: single nucleotide variant.
Coding change: c.1099G>T on transcript NM_001754.5 (MANE Select); coding-DNA position 1099, G replaced by T.
Protein change: p.Gly367Cys; replaces glycine 367 with cysteine.
Molecular consequence: missense variant.
Genome position (GRCh38, 1-based): chr21:34,792,479, C>A on the plus strand (G>T on the coding strand, the complement: RUNX1 is on the minus strand). VCF-style: chr21-34792479-C-A. GRCh37 (hg19) VCF-style: chr21-36164776-C-A.
Other names: NM_001754.5(RUNX1):c.1099G>T; p.Gly367Cys; c.1018G>T, p.Gly340Cys (NM_001001890.3); short protein forms G367C, G340C.
Identifiers: ClinVar variation 1346637 (VCV001346637.9), dbSNP rs2145876825, ClinGen allele CA410148131.
Genomic context (GRCh38, chr21:34,792,479, plus strand): 5'-CGGGGTAGGGCGGCGGCAGGTAGGTGTGGTAGCGCGTGGCCGAGCCCATGGCCGACATGC[C>A]GATGCCGATGCCCGAGGTGACCGGCGTCGGGGAGTAGGTGAAGGCGCCTGGATAGTGCAT-3'
Protein context (NP_001745.2, residues 357-377): PTPVTSGIGI[Gly367Cys]MSAMGSATRY

ClinVar aggregate classification (germline): Uncertain significance. Review status: reviewed by expert panel (3 of 4 stars). 2 submissions from 2 submitters: Uncertain significance (1). 1 of the submissions does not count toward it. Last evaluated 2024-10-29.

Conditions:
Hereditary thrombocytopenia and hematologic cancer predisposition syndrome. Identifiers: Orphanet 71290, MedGen CN281654, MONDO:0011071.
Hereditary thrombocytopenia and hematological cancer predisposition syndrome associated with RUNX1. Also called: PLATELET DISORDER, ASPIRIN-LIKE; RUNX1 Familial Platelet Disorder with Associated Myeloid Malignancies; Familial Platelet Disorder with Propensity to Acute Myelogenous Leukemia; Familial thrombocytopenia with propensity to acute myelogenous leukemia. Identifiers: Orphanet 71290, MedGen C1832388, MeSH C563324, MONDO:0100083, OMIM 601399.

Submissions (2):

ClinGen Myeloid Malignancy Variant Curation Expert Panel
Classification: Uncertain significance for Hereditary thrombocytopenia and hematologic cancer predisposition syndrome. Last evaluated: 2024-10-29. Review status: reviewed by expert panel. Criteria: ClinGen MyeloMalig ACMG Specifications v2. Collection method: curation. Allele origin: germline. Inheritance: Autosomal dominant inheritance.
Comment: NM_001754.5(RUNX1):c.1099G>T (p.Gly367Cys) is a missense variant which is completely absent from gnomAD v2.1.1 with at least 20x coverage for RUNX1 (PM2_supporting). In summary, the clinical significance of this variant is uncertain. ACMG/AMP criteria applied, as specified by the Myeloid Malignancy Variant Curation Expert Panel for RUNX1: PM2_supporting.

Labcorp Genetics (formerly Invitae), Labcorp
Classification: Uncertain significance for Hereditary thrombocytopenia and hematological cancer predisposition syndrome associated with RUNX1. Last evaluated: 2020-11-12. Review status: criteria provided, single submitter. Criteria: Invitae Variant Classification Sherloc (09022015). Collection method: clinical testing. Allele origin: germline. Not counted in ClinVar's aggregate classification.
Comment: This sequence change replaces glycine with cysteine at codon 367 of the RUNX1 protein (p.Gly367Cys). The glycine residue is moderately conserved and there is a large physicochemical difference between glycine and cysteine. In summary, the available evidence is currently insufficient to determine the role of this variant in disease. Therefore, it has been classified as a Variant of Uncertain Significance. Algorithms developed to predict the effect of missense changes on protein structure and function are either unavailable or do not agree on the potential impact of this missense change (SIFT: "Deleterious"; PolyPhen-2: "Probably Damaging"; Align-GVGD: "Class C0"). This variant has not been reported in the literature in individuals with RUNX1-related conditions. This variant is not present in population databases (ExAC no frequency).